The following is an entry in ClinVar:

NM_031418.4(ANO3):c.2891A>C (p.His964Pro)

Gene: ANO3 (anoctamin 3; plus strand). Cytogenetic location: 11p14.2.
Variant type: single nucleotide variant.
Coding change: c.2891A>C on transcript NM_031418.4 (MANE Select); coding-DNA position 2891, A replaced by C.
Protein change: p.His964Pro; replaces histidine 964 with proline.
Molecular consequence: missense variant.
Genome position (GRCh38, 1-based): chr11:26,660,389, A>C. VCF-style: chr11-26660389-A-C. GRCh37 (hg19) VCF-style: chr11-26681936-A-C.
Other names: c.3074A>C, p.His1025Pro (NM_001313726.2); c.2453A>C, p.His818Pro (NM_001313727.2); short protein forms H1025P, H818P, H964P.
Identifiers: ClinVar variation 1313341 (VCV001313341.2), dbSNP rs779541748, ClinGen allele CA5926640.
Genomic context (GRCh38, chr11:26,660,389, plus strand): 5'-ACCGAATACGACGAGAGAAGTACTTAGTTCAAGAAATGATGTATGAGGCTGAACTGGAAC[A>C]TTTGCAACAACAACGGAGAAAAAGTGGTCAGCCTGTTCACCATGAATGGCCTTAGTTGAC-3'
Protein context (NP_113606.2, residues 954-974): QEMMYEAELE[His964Pro]LQQQRRKSGQ

ClinVar aggregate classification (germline): Uncertain significance (1 of 4 stars; one submission).

Allele frequency attached by ClinVar (database versions not stated): gnomAD exomes below 0.00001 and 0.00001; ExAC 0.00001; gnomAD 0.00001; TOPMed 0.00001.
gnomAD v4.1: 3 of 1,612,884 alleles (0.00019%); highest among the groups gnomAD compares: Non-Finnish European, 0.00025%; no homozygotes.

Submission:

GeneDx
Classification: Uncertain significance. Last evaluated: 2020-10-19. Review status: criteria provided, single submitter. Criteria: GeneDx Variant Classification Process June 2021. Collection method: clinical testing. Allele origin: germline. Affected: yes.
Comment: Not observed in large population cohorts (Lek et al., 2016); In silico analysis supports that this missense variant does not alter protein structure/function; Has not been previously published as pathogenic or benign to our knowledge